The following is an entry in ClinVar:

NM_000052.7(ATP7A):c.3240T>C (p.Ala1080=)

Gene: ATP7A (ATPase copper transporting alpha; plus strand). Cytogenetic location: Xq21.1.
Variant type: single nucleotide variant.
Coding change: c.3240T>C on transcript NM_000052.7 (MANE Select); coding-DNA position 3240, T replaced by C.
Protein change: p.Ala1080=; no amino-acid change (alanine 1080 retained).
Molecular consequence: synonymous variant. On other transcripts: non-coding transcript variant (1).
Genome position (GRCh38, 1-based): chrX:78,031,528, T>C. VCF-style: chrX-78031528-T-C. GRCh37 (hg19) VCF-style: chrX-77287026-T-C.
Other names: p.Ala1080=; c.3006T>C, p.Ala1002= (NM_001282224.2).
Identifiers: ClinVar variation 1080380 (VCV001080380.12), dbSNP rs1557237065, ClinGen allele CA517071728.
Genomic context (GRCh38, chrX:78,031,528, plus strand): 5'-GGTTCTAACTGAAAGTAACAGAATATCACACCATAAAATCTTGGCCATTGTGGGAACTGC[T>C]GAAAGTAACAGTGAACACCCTCTAGGAACAGCCATAACCAAATATTGCAAACAGGTACAT-3'
Protein context (NP_000043.4, residues 1070-1090): HHKILAIVGT[Ala1080=]ESNSEHPLGT

ClinVar aggregate classification (germline): Likely benign. Review status: criteria provided, multiple submitters, no conflicts (2 of 4 stars). 3 submissions from 3 submitters: Likely benign (3). Last evaluated 2026-04-01.

Conditions:
Cutis laxa, X-linked (OHS). Also called: EDS IX; Occipital horn syndrome. Identifiers: Orphanet 198, MedGen C0268353, MONDO:0010572, OMIM 304150.
Menkes kinky-hair syndrome (MNK). Also called: Classic Menkes Disease; Menkes Disease; Copper transport disease. Identifiers: Orphanet 565, MedGen C0022716, MONDO:0010651, OMIM 309400.
X-linked distal spinal muscular atrophy type 3. Also called: NEURONOPATHY, DISTAL HEREDITARY MOTOR, X-LINKED; NEUROPATHY, DISTAL HEREDITARY MOTOR, X-LINKED; SPINAL MUSCULAR ATROPHY, DISTAL, X-LINKED RECESSIVE; ATP7A-Related Distal Motor Neuropathy. Identifiers: Orphanet 139557, MedGen C1845359, MONDO:0010338, OMIM 300489.

Allele frequency attached by ClinVar (database versions not stated): TOPMed below 0.00001; gnomAD 0.00001; gnomAD exomes 0.00002.
gnomAD v4.1: 17 of 1,209,743 alleles (0.0014%); highest among the groups gnomAD compares: Non-Finnish European, 0.0018%; no homozygotes.

Submissions (3):

CeGaT Center for Human Genetics Tuebingen
Classification: Likely benign. Last evaluated: 2026-04-01. Review status: criteria provided, single submitter. Criteria: CeGaT Center For Human Genetics Tuebingen Variant Classification Criteria Version 2. Collection method: clinical testing. Allele origin: germline. Affected: yes. Observed: 1 variant allele.
Comment: ATP7A: BP4, BP7, BS2

Mayo Clinic Laboratories, Mayo Clinic
Classification: Likely benign. Last evaluated: 2025-04-21. Review status: criteria provided, single submitter. Criteria: ACMG Guidelines, 2015. Collection method: clinical testing. Allele origin: germline. Observed: 1 variant allele.
Comment: BP4, BP7, PM2_supporting

Labcorp Genetics (formerly Invitae), Labcorp
Classification: Likely benign for X-linked distal spinal muscular atrophy type 3; Cutis laxa, X-linked; Menkes kinky-hair syndrome. Last evaluated: 2024-02-06. Review status: criteria provided, single submitter. Criteria: Invitae Variant Classification Sherloc (09022015). Collection method: clinical testing. Allele origin: germline.